The following is an entry in ClinVar:

NM_000168.6(GLI3):c.1813-6T>A

Gene: GLI3 (GLI family zinc finger 3; minus strand). Cytogenetic location: 7p14.1.
Variant type: single nucleotide variant.
Coding change: c.1813-6T>A on transcript NM_000168.6 (MANE Select); 6 bases into the intron before coding-DNA position 1813, T replaced by A.
Molecular consequence: intron variant.
Genome position (GRCh38, 1-based): chr7:41,972,633, A>T on the plus strand (T>A on the coding strand, the complement: GLI3 is on the minus strand). VCF-style: chr7-41972633-A-T. GRCh37 (hg19) VCF-style: chr7-42012232-A-T.
Identifiers: ClinVar variation 4785833 (VCV004785833.1).

ClinVar aggregate classification (germline): Pathogenic (1 of 4 stars; one submission).

Conditions:
Pallister-Hall syndrome (PHS). Also called: GLI3-Related Pallister-Hall Syndrome; HYPOTHALAMIC HAMARTOBLASTOMA, HYPOPITUITARISM, IMPERFORATE ANUS, AND POSTAXIAL POLYDACTYLY. Identifiers: Orphanet 672, MedGen C0265220, MONDO:0007804, OMIM 146510.
Greig cephalopolysyndactyly syndrome (GCPS). Also called: POLYSYNDACTYLY WITH PECULIAR SKULL SHAPE; Greig syndrome; GLI3-Related Greig Cephalopolysyndactyly Syndrome. Identifiers: Orphanet 380, MedGen C0265306, MONDO:0008287, OMIM 175700.

Submission:

Labcorp Genetics (formerly Invitae), Labcorp
Classification: Pathogenic for Pallister-Hall syndrome; Greig cephalopolysyndactyly syndrome. Last evaluated: 2025-10-29. Review status: criteria provided, single submitter. Criteria: Invitae Variant Classification Sherloc (09022015). Collection method: clinical testing. Allele origin: germline.
Comment: This sequence change falls in intron 12 of the GLI3 gene. It does not directly change the encoded amino acid sequence of the GLI3 protein. This variant is not present in population databases (gnomAD no frequency). This variant has been observed in individual(s) with GLI3-related conditions (internal data). In at least one individual the variant was observed to be de novo. Algorithms developed to predict the effect of sequence changes on RNA splicing suggest that this variant may disrupt the consensus splice site. For these reasons, this variant has been classified as Pathogenic.